The following is an entry in ClinVar:

ClinVar aggregate classification (germline): Uncertain significance (1 of 4 stars; one submission).

Conditions:
Parkinson disease 17 (PARK17). Also called: VPS35-Related Parkinson Disease. Identifiers: Orphanet 411602, MedGen C3280133, MONDO:0013625, OMIM 614203.

Allele frequency attached by ClinVar (database versions not stated): gnomAD exomes 0.00001.
gnomAD v4.1: 4 of 1,611,846 alleles (0.00025%); highest among the groups gnomAD compares: Non-Finnish European, 0.00034%; no homozygotes.

Submission:

Labcorp Genetics (formerly Invitae), Labcorp
Classification: Uncertain significance for Parkinson disease 17. Last evaluated: 2021-12-02. Review status: criteria provided, single submitter. Criteria: Invitae Variant Classification Sherloc (09022015). Collection method: clinical testing. Allele origin: germline.
Comment: This sequence change replaces aspartic acid, which is acidic and polar, with valine, which is neutral and non-polar, at codon 326 of the VPS35 protein (p.Asp326Val). In summary, the available evidence is currently insufficient to determine the role of this variant in disease. Therefore, it has been classified as a Variant of Uncertain Significance. Algorithms developed to predict the effect of missense changes on protein structure and function are either unavailable or do not agree on the potential impact of this missense change (SIFT: "Deleterious"; PolyPhen-2: "Possibly Damaging"; Align-GVGD: "Class C0"). This variant has not been reported in the literature in individuals affected with VPS35-related conditions. This variant is not present in population databases (gnomAD no frequency).

NM_018206.6(VPS35):c.977A>T (p.Asp326Val)

Gene: VPS35 (VPS35 retromer complex component; minus strand). Cytogenetic location: 16q11.2.
Variant type: single nucleotide variant.
Coding change: c.977A>T on transcript NM_018206.6 (MANE Select); coding-DNA position 977, A replaced by T.
Protein change: p.Asp326Val; replaces aspartic acid 326 with valine.
Molecular consequence: missense variant.
Genome position (GRCh38, 1-based): chr16:46,674,598, T>A on the plus strand (A>T on the coding strand, the complement: VPS35 is on the minus strand). VCF-style: chr16-46674598-T-A. GRCh37 (hg19) VCF-style: chr16-46708510-T-A.
Other names: short protein forms D326V.
Identifiers: ClinVar variation 1375085 (VCV001375085.6), dbSNP rs2143007770, ClinGen allele CA395810473.